The following is an entry in ClinVar:

ClinVar aggregate classification (germline): Benign. Review status: criteria provided, multiple submitters, no conflicts (2 of 4 stars). 16 submissions from 11 submitters: Benign (14). 2 of the submissions do not count toward it. Last evaluated 2026-02-04.

Conditions:
Diabetes mellitus, permanent neonatal 3. Also called: ABCC8-Related Permanent Neonatal Diabetes Mellitus. Identifiers: MedGen C5394303, MONDO:0030088, OMIM 618857.
Hereditary hyperinsulinism.
Permanent neonatal diabetes mellitus (PNDM). Identifiers: Orphanet 99885, MedGen C1833104, MONDO:0100164, MONDO:0011643. Disease mechanism: gain of function.
Diabetes mellitus, transient neonatal, 2 (TNDM2). Identifiers: Orphanet 99886, MedGen C1835887, MONDO:0012480, OMIM 610374. Disease mechanism: loss of function.
Leucine-induced hypoglycemia (LIH). Also called: LEUCINE-SENSITIVE HYPOGLYCEMIA OF INFANCY. Identifiers: MedGen C0271714, MONDO:0009415, OMIM 240800.
Hyperinsulinemic hypoglycemia, familial, 1 (HHF1). Also called: Persistent hyperinsulinemic hypoglycemia of infancy; NESIDIOBLASTOSIS OF PANCREAS; Persistent Hyperinsulinemia Hypoglycemia of Infancy; HYPERINSULINISM, FAMILIAL, WITH PANCREATIC NESIDIOBLASTOSIS; HYPOGLYCEMIA, HYPERINSULINEMIC, OF INFANCY. Identifiers: Orphanet 276575, Orphanet 276598, MedGen C2931832, MONDO:0009734, OMIM 256450.
Neonatal hypoglycemia. Identifiers: MedGen C0158986, HP:0001998.

Allele frequency attached by ClinVar (database versions not stated): ExAC 0.12511; gnomAD 0.14090 and 0.14682; TOPMed 0.14200; ESP Exome Variant Server 0.14970; gnomAD exomes 0.09659 and 0.10031; 1000 Genomes Project 0.12021; 1000 Genomes Project 30x 0.12445.
gnomAD v4.1: 167,466 of 1,609,174 alleles (10%); highest among the groups gnomAD compares: African/African-American, 26%; 10,160 homozygotes.

Submissions (16):

Labcorp Genetics (formerly Invitae), Labcorp
Classification: Benign. Last evaluated: 2026-02-04. Review status: criteria provided, single submitter. Criteria: Invitae Variant Classification Sherloc (09022015). Collection method: clinical testing. Allele origin: germline.

Blueprint Genetics
Classification: Benign. Last evaluated: 2024-11-27. Review status: criteria provided, single submitter. Criteria: ACMG Guidelines, 2015. Collection method: clinical testing. Allele origin: germline.

Pars Genome Lab
Classification: Benign for Leucine-induced hypoglycemia. Last evaluated: 2021-07-01. Review status: criteria provided, single submitter. Criteria: ACMG Guidelines, 2015. Collection method: clinical testing. Allele origin: germline. Affected: no.

Pars Genome Lab
Classification: Benign for Hyperinsulinemic hypoglycemia, familial, 1. Last evaluated: 2021-07-01. Review status: criteria provided, single submitter. Criteria: ACMG Guidelines, 2015. Collection method: clinical testing. Allele origin: germline. Affected: no.

Pars Genome Lab
Classification: Benign for Diabetes mellitus, transient neonatal, 2. Last evaluated: 2021-07-01. Review status: criteria provided, single submitter. Criteria: ACMG Guidelines, 2015. Collection method: clinical testing. Allele origin: germline. Affected: no.

Pars Genome Lab
Classification: Benign for Diabetes mellitus, permanent neonatal 3. Last evaluated: 2021-07-01. Review status: criteria provided, single submitter. Criteria: ACMG Guidelines, 2015. Collection method: clinical testing. Allele origin: germline. Affected: no.

GeneDx
Classification: Benign. Last evaluated: 2018-08-17. Review status: criteria provided, single submitter. Criteria: GeneDx Variant Classification Process June 2021. Collection method: clinical testing. Allele origin: germline. Affected: yes.

Illumina Laboratory Services, Illumina
Classification: Benign for Diabetes mellitus, transient neonatal, 2. Last evaluated: 2018-01-13. Review status: criteria provided, single submitter. Criteria: ICSL Variant Classification Criteria 13 December 2019. Collection method: clinical testing. Allele origin: germline.
Comment: This variant was observed in the ICSL laboratory as part of a predisposition screen in an ostensibly healthy population. It had not been previously curated by ICSL or reported in the Human Gene Mutation Database (HGMD: prior to June 1st, 2018), and was therefore a candidate for classification through an automated scoring system. Utilizing variant allele frequency, disease prevalence and penetrance estimates, and inheritance mode, an automated score was calculated to assess if this variant is too frequent to cause the disease. Based on the score and internal cut-off values, a variant classified as benign is not then subjected to further curation. The score for this variant resulted in a classification of benign for this disease.

Illumina Laboratory Services, Illumina
Classification: Benign for Permanent neonatal diabetes mellitus 1. Last evaluated: 2018-01-13. Review status: criteria provided, single submitter. Criteria: ICSL Variant Classification Criteria 13 December 2019. Collection method: clinical testing. Allele origin: germline.
Comment: the same text as in the submission from Illumina Laboratory Services, Illumina above.

Illumina Laboratory Services, Illumina
Classification: Benign for Hyperinsulinemic hypoglycemia, familial, 1. Last evaluated: 2018-01-13. Review status: criteria provided, single submitter. Criteria: ICSL Variant Classification Criteria 13 December 2019. Collection method: clinical testing. Allele origin: germline.
Comment: the same text as in the submission from Illumina Laboratory Services, Illumina above.

Athena Diagnostics
Classification: Benign for Hyperinsulinemic hypoglycemia, familial, 1. Last evaluated: 2017-04-12. Review status: criteria provided, single submitter. Criteria: Athena Diagnostics Criteria. Collection method: clinical testing. Allele origin: germline.

Breakthrough Genomics
Classification: Benign. Review status: criteria provided, single submitter. Criteria: ACMG Guidelines, 2015. Collection method: not provided. Allele origin: germline. Inheritance: Autosomal recessive inheritance. Affected: yes.

Clinical Genomics, Uppaluri K&H Personalized Medicine Clinic
Classification: Benign for Neonatal hypoglycemia. Review status: criteria provided, single submitter. Criteria: K&H Uppaluri Personalized Medicine Clinic Variant Classification & Assertion Criteria. Collection method: research. Allele origin: somatic. Inheritance: Autosomal dominant inheritance. Affected: yes.
Comment: rs1805036 variant of ABCC8 gene is associated with both neonatal diabetes mellitus as well as MODY. Patients with this mutation may respond to sulfonylureas.

PreventionGenetics, part of Exact Sciences
Classification: Benign. Review status: criteria provided, single submitter. Criteria: ACMG Guidelines, 2015. Collection method: clinical testing. Allele origin: germline.

Natera, Inc.
Classification: Benign for Hereditary hyperinsulinism. Last evaluated: 2020-09-16. Review status: no assertion criteria provided. Collection method: clinical testing. Allele origin: germline. Not counted in ClinVar's aggregate classification.

Genetic Services Laboratory, University of Chicago
Classification: Likely benign. Review status: no assertion criteria provided. Collection method: clinical testing. Allele origin: germline. Inheritance: Autosomal unknown. Not counted in ClinVar's aggregate classification.
Comment: Likely benign based on allele frequency in 1000 Genomes Project or ESP global frequency and its presence in a patient with a rare or unrelated disease phenotype. NOT Sanger confirmed

Literature cited by the submitters: PubMed 10857971 (cited by Clinical Genomics, Uppaluri K&H Personalized Medicine Clinic); PubMed 21814221 (cited by Clinical Genomics, Uppaluri K&H Personalized Medicine Clinic).

NM_000352.6(ABCC8):c.2485C>T (p.Leu829=)

Gene: ABCC8 (ATP binding cassette subfamily C member 8; minus strand). Cytogenetic location: 11p15.1.
Variant type: single nucleotide variant.
Coding change: c.2485C>T on transcript NM_000352.6 (MANE Select); coding-DNA position 2485, C replaced by T.
Protein change: p.Leu829=; no amino-acid change (leucine 829 retained).
Molecular consequence: synonymous variant. On other transcripts: non-coding transcript variant (1).
Genome position (GRCh38, 1-based): chr11:17,412,737, G>A on the plus strand (C>T on the coding strand, the complement: ABCC8 is on the minus strand). VCF-style: chr11-17412737-G-A. GRCh37 (hg19) VCF-style: chr11-17434284-G-A.
Other names: c.2488C>T, p.Leu830= (NM_001287174.3); c.2551C>T, p.Leu851= (NM_001351295.2); c.2485C>T, p.Leu829= (NM_001351296.2); c.2482C>T, p.Leu828= (NM_001351297.2).
Identifiers: ClinVar variation 157691 (VCV000157691.27), dbSNP rs1805036, ClinGen allele CA171059.